The following is an entry in ClinVar:

ClinVar aggregate classification (germline): Uncertain significance (1 of 4 stars; one submission).

Conditions:
Leukocyte adhesion deficiency 1 (LAD1). Also called: LEUKOCYTE ADHESION DEFICIENCY, TYPE I; LAD 1; Lymphocyte function-associated antigen 1 immunodeficiency; LFA 1 immunodeficiency. Identifiers: Orphanet 2968, Orphanet 99842, MedGen C0398738, MONDO:0007293, OMIM 116920.

Allele frequency attached by ClinVar (database versions not stated): ExAC 0.00001; gnomAD 0.00001; TOPMed 0.00001.
gnomAD v4.1: 16 of 1,613,922 alleles (0.00099%); highest among the groups gnomAD compares: East Asian, 0.0067%; no homozygotes.

Submission:

Labcorp Genetics (formerly Invitae), Labcorp
Classification: Uncertain significance for Leukocyte adhesion deficiency 1. Last evaluated: 2022-10-17. Review status: criteria provided, single submitter. Criteria: Invitae Variant Classification Sherloc (09022015). Collection method: clinical testing. Allele origin: germline.
Comment: This sequence change replaces arginine, which is basic and polar, with glutamine, which is neutral and polar, at codon 155 of the ITGB2 protein (p.Arg155Gln). This variant is present in population databases (rs778870549, gnomAD 0.01%). This variant has not been reported in the literature in individuals affected with ITGB2-related conditions. ClinVar contains an entry for this variant (Variation ID: 940528). Algorithms developed to predict the effect of missense changes on protein structure and function output the following: SIFT: "Tolerated"; PolyPhen-2: "Benign"; Align-GVGD: "Class C0". The glutamine amino acid residue is found in multiple mammalian species, which suggests that this missense change does not adversely affect protein function. In summary, the available evidence is currently insufficient to determine the role of this variant in disease. Therefore, it has been classified as a Variant of Uncertain Significance.

NM_000211.5(ITGB2):c.464G>A (p.Arg155Gln)

Gene: ITGB2 (integrin subunit beta 2; minus strand). Cytogenetic location: 21q22.3.
Variant type: single nucleotide variant.
Coding change: c.464G>A on transcript NM_000211.5 (MANE Select); coding-DNA position 464, G replaced by A.
Protein change: p.Arg155Gln; replaces arginine 155 with glutamine.
Molecular consequence: missense variant.
Genome position (GRCh38, 1-based): chr21:44,903,400, C>T on the plus strand (G>A on the coding strand, the complement: ITGB2 is on the minus strand). VCF-style: chr21-44903400-C-T. GRCh37 (hg19) VCF-style: chr21-46323315-C-T.
Other names: c.464G>A, p.Arg155Gln (NM_001127491.3); c.257G>A, p.Arg86Gln (NM_001303238.2); short protein forms R86Q, R155Q.
Identifiers: ClinVar variation 940528 (VCV000940528.6), dbSNP rs778870549, ClinGen allele CA10063216.